The following is an entry in ClinVar:

NM_015474.4(SAMHD1):c.1379C>T (p.Thr460Met)

Gene: SAMHD1 (SAM and HD domain containing deoxynucleoside triphosphate triphosphohydrolase 1; minus strand). Cytogenetic location: 20q11.23.
Variant type: single nucleotide variant.
Coding change: c.1379C>T on transcript NM_015474.4 (MANE Select); coding-DNA position 1379, C replaced by T.
Protein change: p.Thr460Met; replaces threonine 460 with methionine.
Molecular consequence: missense variant.
Genome position (GRCh38, 1-based): chr20:36,905,395, G>A on the plus strand (C>T on the coding strand, the complement: SAMHD1 is on the minus strand). VCF-style: chr20-36905395-G-A. GRCh37 (hg19) VCF-style: chr20-35533798-G-A.
Other names: c.1379C>T, p.Thr460Met (NM_001363729.2, NM_001363733.2); short protein forms T460M.
Identifiers: ClinVar variation 2141434 (VCV002141434.2), dbSNP rs1194519605, ClinGen allele CA408842184.

ClinVar aggregate classification (germline): Uncertain significance. Review status: criteria provided, multiple submitters, no conflicts (2 of 4 stars). 2 submissions from 2 submitters: Uncertain significance (2). Last evaluated 2022-06-13.

Conditions:
Aicardi-Goutieres syndrome 5. Identifiers: Orphanet 51, MedGen C2749659, MONDO:0013059, OMIM 612952.
Inborn genetic diseases. Identifiers: MedGen C0950123, MeSH D030342.

Allele frequency attached by ClinVar (database versions not stated): TOPMed below 0.00001; gnomAD exomes 0.00001.
gnomAD v4.1: 13 of 1,613,960 alleles (0.00081%); highest among the groups gnomAD compares: South Asian, 0.0011%; no homozygotes.

Submissions (2):

Labcorp Genetics (formerly Invitae), Labcorp
Classification: Uncertain significance for Aicardi-Goutieres syndrome 5. Last evaluated: 2022-06-13. Review status: criteria provided, single submitter. Criteria: Invitae Variant Classification Sherloc (09022015). Collection method: clinical testing. Allele origin: germline.
Comment: This sequence change replaces threonine, which is neutral and polar, with methionine, which is neutral and non-polar, at codon 460 of the SAMHD1 protein (p.Thr460Met). This variant is present in population databases (no rsID available, gnomAD 0.0009%). This variant has not been reported in the literature in individuals affected with SAMHD1-related conditions. Algorithms developed to predict the effect of missense changes on protein structure and function are either unavailable or do not agree on the potential impact of this missense change (SIFT: "Tolerated"; PolyPhen-2: "Possibly Damaging"; Align-GVGD: "Class C0"). In summary, the available evidence is currently insufficient to determine the role of this variant in disease. Therefore, it has been classified as a Variant of Uncertain Significance.

Ambry Genetics
Classification: Uncertain significance for Inborn genetic diseases. Last evaluated: 2022-04-12. Review status: criteria provided, single submitter. Criteria: Ambry Variant Classification Scheme 2023. Collection method: clinical testing. Allele origin: germline.